The following is an entry in ClinVar:

NM_014874.4(MFN2):c.1091G>A (p.Arg364Gln)

Gene: MFN2 (mitofusin 2; plus strand). Cytogenetic location: 1p36.22.
Variant type: single nucleotide variant.
Coding change: c.1091G>A on transcript NM_014874.4 (MANE Select); coding-DNA position 1091, G replaced by A.
Protein change: p.Arg364Gln; replaces arginine 364 with glutamine.
Molecular consequence: missense variant.
Genome position (GRCh38, 1-based): chr1:12,002,034, G>A. VCF-style: chr1-12002034-G-A. GRCh37 (hg19) VCF-style: chr1-12062091-G-A.
Other names: c.1091G>A, p.Arg364Gln (NM_001127660.2); short protein forms R364Q.
Identifiers: ClinVar variation 245944 (VCV000245944.55), dbSNP rs879254011, ClinGen allele CA10584103.

ClinVar aggregate classification (germline): Pathogenic/Likely pathogenic. Review status: criteria provided, multiple submitters, no conflicts (2 of 4 stars). 8 submissions from 8 submitters: Pathogenic (3); Likely pathogenic (4). 1 of the submissions does not count toward it. Last evaluated 2025-07-09.

Conditions:
Inborn genetic diseases. Identifiers: MedGen C0950123, MeSH D030342.
Charcot-Marie-Tooth disease. Also called: Charcot-Marie-Tooth Neuropathy; Charcot-Marie-Tooth Hereditary Neuropathy. Identifiers: Orphanet 166, MedGen C0007959, MONDO:0015626.
Charcot-Marie-Tooth disease type 2. Also called: Charcot-Marie-Tooth type 2. Identifiers: Orphanet 64746, MedGen C0270914, MONDO:0018993.
Charcot-Marie-Tooth disease type 2A2. Also called: CHARCOT-MARIE-TOOTH DISEASE, AXONAL, TYPE 2A2; HEREDITARY MOTOR AND SENSORY NEUROPATHY IIA2; HMSN IIA2; CHARCOT-MARIE-TOOTH DISEASE, NEURONAL, TYPE 2A2; Charcot-Marie-Tooth Neuropathy Type 2A2; CHARCOT-MARIE-TOOTH DISEASE, AXONAL, AUTOSOMAL DOMINANT, TYPE 2A2A. Identifiers: Orphanet 99947, MedGen C4721887, MONDO:0012231, OMIM 609260.

Allele frequency attached by ClinVar (database versions not stated): gnomAD exomes below 0.00001.
gnomAD v4.1: 6 of 1,614,182 alleles (0.00037%); highest among the groups gnomAD compares: Non-Finnish European, 0.00042%; no homozygotes.

Submissions (8):

GeneDx
Classification: Likely pathogenic. Last evaluated: 2025-07-09. Review status: criteria provided, single submitter. Criteria: GeneDx Variant Classification Process June 2021. Collection method: clinical testing. Allele origin: germline. Affected: yes.
Comment: Identified in multiple individuals with Charcot-Marie-Tooth Disease type 2A in published literature (PMID: 17444508, 20008656, 31827005, 22492563, 33415332, 19889647, 34721278); In silico analysis supports that this missense variant has a deleterious effect on protein structure/function; Not observed at significant frequency in large population cohorts (gnomAD); This variant is associated with the following publications: (PMID: 22189565, 17444508, 20008656, 22206013, 19618221, 18996695, 31130284, 22492563, 24863639, 31827005, 33415332, 19889647, 34721278)

Variantyx, Inc.
Classification: Likely pathogenic for Charcot-Marie-Tooth disease type 2A2. Last evaluated: 2025-03-11. Review status: criteria provided, single submitter. Criteria: Variantyx Assertion Criteria 2022. Collection method: clinical testing. Allele origin: germline. Inheritance: Autosomal dominant inheritance. Affected: yes.
Comment: This is a nonsynonymous variant in the MFN2 gene (OMIM: 608507). Pathogenic variants in this gene have been associated with autosomal dominant axonal Charcot-Marie-Tooth disease type 2A2A. This variant has been reported in at least 4 unrelated affected individual(s) (PMID: 17444508, 18996695, 31130284, 20008656, 19889647) (PS4). Alternate amino acid change(s) at this position (p.Arg364Pro, p.Arg364Trp) have been previously reported in similarly affected individuals, which suggests that this residue is biologically important (PMID: 24957169, 16437557) (PM5). Multiple computational algorithms predict a deleterious effect for this variant (REVEL score: 0.735) (PP3). This variant has a 0.0004% maximum allele frequency in non-founder control populations (PM2). Inheritance from an unaffected or mildly affected parent has been reported in the MFN2, consistent with incomplete penetrance and/or variable expressivity (PMID: 18996695). Based on the current evidence, this variant is classified as likely pathogenic for autosomal dominant axonal Charcot-Marie-Tooth disease type 2A2A.

Labcorp Genetics (formerly Invitae), Labcorp
Classification: Pathogenic for Charcot-Marie-Tooth disease type 2. Last evaluated: 2024-10-15. Review status: criteria provided, single submitter. Criteria: Invitae Variant Classification Sherloc (09022015). Collection method: clinical testing. Allele origin: germline.
Comment: This sequence change replaces arginine, which is basic and polar, with glutamine, which is neutral and polar, at codon 364 of the MFN2 protein (p.Arg364Gln). This variant is not present in population databases (gnomAD no frequency). This missense change has been observed in individuals with Charcot-Marie-Tooth disease (PMID: 17444508, 18996695, 20008656, 22492563). ClinVar contains an entry for this variant (Variation ID: 245944). Invitae Evidence Modeling of protein sequence and biophysical properties (such as structural, functional, and spatial information, amino acid conservation, physicochemical variation, residue mobility, and thermodynamic stability) has been performed for this missense variant. However, the output from this modeling did not meet the statistical confidence thresholds required to predict the impact of this variant on MFN2 protein function. This variant disrupts the p.Arg364 amino acid residue in MFN2. Other variant(s) that disrupt this residue have been determined to be pathogenic (PMID: 16437557, 20008656, 21707411, 22492563, 24957169). This suggests that this residue is clinically significant, and that variants that disrupt this residue are likely to be disease-causing. For these reasons, this variant has been classified as Pathogenic.

Genomic Medicine Center of Excellence, King Faisal Specialist Hospital and Research Centre
Classification: Pathogenic for Charcot-Marie-Tooth disease type 2A2. Last evaluated: 2024-03-14. Review status: criteria provided, single submitter. Criteria: ACMG Guidelines, 2015. Collection method: research. Allele origin: germline.

Athena Diagnostics
Classification: Likely pathogenic. Last evaluated: 2021-06-28. Review status: criteria provided, single submitter. Criteria: Athena Diagnostics Criteria. Collection method: clinical testing. Allele origin: unknown.
Comment: This variant has not been reported in large, multi-ethnic general populations. This variant has been identified in multiple unrelated individuals with clinical features associated with this gene. One other missense variant found at the same codon position is classified as pathogenic. This variant segregates with disease in at least one family.

Ambry Genetics
Classification: Likely pathogenic for Inborn genetic diseases. Last evaluated: 2021-01-12. Review status: criteria provided, single submitter. Criteria: Ambry Variant Classification Scheme 2023. Collection method: clinical testing. Allele origin: germline.
Comment: The p.R364Q variant (also known as c.1091G>A), located in coding exon 9 of the MFN2 gene, results from a G to A substitution at nucleotide position 1091. The arginine at codon 364 is replaced by glutamine, an amino acid with highly similar properties. This alteration has been reported in the literature in multiple affected individuals, and is reported to segregate with disease in two unrelated families with phenotypes consistent with CMT2 (Casasnovas C et al. J Med Genet, 2010 Apr;47:249-56; Banchs I et al. Neuromuscul Disord, 2008 Dec;18:974-8; Calvo J et al. Arch Neurol, 2009 Dec;66:1511-6; Sitarz KS et al. Brain, 2012 Aug;135:e219, 1-3; author reply e220, 1-3). This variant was not reported in population-based cohorts in the Genome Aggregation Database (gnomAD). This amino acid position is highly conserved in available vertebrate species. In addition, this alteration is predicted to be deleterious by in silico analysis. Based on the supporting evidence, this variant is expected to be causative of autosomal dominant Charcot-Marie-Tooth disease (CMT) type 2A2A and/or hereditary motor and sensory neuropathy VIA; however, its clinical significance for autosomal recessive Charcot-Marie-Tooth disease (CMT) type 2A2B is unclear.

CeGaT Center for Human Genetics Tuebingen
Classification: Pathogenic. Last evaluated: 2020-07-01. Review status: criteria provided, single submitter. Criteria: CeGaT Center For Human Genetics Tuebingen Variant Classification Criteria Version 2. Collection method: clinical testing. Allele origin: germline. Affected: yes. Observed: 1 variant allele.

Inherited Neuropathy Consortium
Classification: Uncertain significance for Charcot-Marie-Tooth disease. Review status: no assertion criteria provided. Collection method: literature only. Allele origin: germline. Affected: yes. Not counted in ClinVar's aggregate classification.

Literature cited by the submitters: PubMed 17444508 (cited by 4 submitters); PubMed 18996695 (cited by 4 submitters); PubMed 31130284 (cited by Variantyx, Inc.); PubMed 20008656 (cited by 4 submitters); PubMed 19889647 (cited by 3 submitters); PubMed 24957169 (cited by Variantyx, Inc. and Labcorp Genetics (formerly Invitae), Labcorp); PubMed 16437557 (cited by Variantyx, Inc. and Labcorp Genetics (formerly Invitae), Labcorp); PubMed 22492563 (cited by 3 submitters); PubMed 21707411 (cited by Labcorp Genetics (formerly Invitae), Labcorp); PubMed 19618221 (cited by Athena Diagnostics); PubMed 33415332 (cited by Athena Diagnostics).